The following is an entry in ClinVar:

NM_000368.5(TSC1):c.1445T>C (p.Ile482Thr)

Gene: TSC1 (TSC complex subunit 1; minus strand). Cytogenetic location: 9q34.13.
Variant type: single nucleotide variant.
Coding change: c.1445T>C on transcript NM_000368.5 (MANE Select); coding-DNA position 1445, T replaced by C.
Protein change: p.Ile482Thr; replaces isoleucine 482 with threonine.
Molecular consequence: missense variant. On other transcripts: non-coding transcript variant (5).
Genome position (GRCh38, 1-based): chr9:132,906,133, A>G on the plus strand (T>C on the coding strand, the complement: TSC1 is on the minus strand). VCF-style: chr9-132906133-A-G. GRCh37 (hg19) VCF-style: chr9-135781520-A-G.
Other names: c.1442T>C, p.Ile481Thr (NM_001406603.1, NM_001406604.1, NM_001406608.1 and 6 more transcripts); c.1445T>C, p.Ile482Thr (NM_001406605.1, NM_001406606.1, NM_001406607.1 and 7 more transcripts); c.1082T>C, p.Ile361Thr (NM_001406617.1, NM_001406618.1, NM_001406619.1 and 5 more transcripts); c.1079T>C, p.Ile360Thr (NM_001406620.1, NM_001406621.1, NM_001406622.1 and 2 more transcripts); c.1292T>C, p.Ile431Thr (NM_001406610.1, NM_001162427.2); c.1289T>C, p.Ile430Thr (NM_001406611.1, NM_001406612.1, NM_001406613.1); c.494T>C, p.Ile165Thr (NM_001406626.1); c.491T>C, p.Ile164Thr (NM_001406627.1, NM_001406628.1); and 1 more; short protein forms I360T, I165T, I361T, I430T, I481T, I131T, I164T, I431T.
Identifiers: ClinVar variation 2838051 (VCV002838051.3), dbSNP rs2131850671, ClinGen allele CA375365607.

ClinVar aggregate classification (germline): Uncertain significance (1 of 4 stars; one submission).

Conditions:
Tuberous sclerosis 1 (TSC1). Identifiers: Orphanet 805, MedGen C1854465, MONDO:0008612, OMIM 191100.

Allele frequency attached by ClinVar (database versions not stated): gnomAD exomes below 0.00001.
gnomAD v4.1: 1 of 1,612,726 alleles (0.000062%); highest among the groups gnomAD compares: Non-Finnish European, 0.000085%; no homozygotes.

Submission:

Labcorp Genetics (formerly Invitae), Labcorp
Classification: Uncertain significance for Tuberous sclerosis 1. Last evaluated: 2023-03-21. Review status: criteria provided, single submitter. Criteria: Invitae Variant Classification Sherloc (09022015). Collection method: clinical testing. Allele origin: germline.
Comment: This sequence change replaces isoleucine, which is neutral and non-polar, with threonine, which is neutral and polar, at codon 482 of the TSC1 protein (p.Ile482Thr). This variant is not present in population databases (gnomAD no frequency). This variant has not been reported in the literature in individuals affected with TSC1-related conditions. Advanced modeling of protein sequence and biophysical properties (such as structural, functional, and spatial information, amino acid conservation, physicochemical variation, residue mobility, and thermodynamic stability) performed at Invitae indicates that this missense variant is not expected to disrupt TSC1 protein function. In summary, the available evidence is currently insufficient to determine the role of this variant in disease. Therefore, it has been classified as a Variant of Uncertain Significance.